The following is an entry in ClinVar:

ClinVar aggregate classification (germline): Uncertain significance (1 of 4 stars; one submission).

Submission:

GeneDx
Classification: Uncertain significance. Last evaluated: 2025-02-04. Review status: criteria provided, single submitter. Criteria: GeneDx Variant Classification Process June 2021. Collection method: clinical testing. Allele origin: germline. Affected: yes.
Comment: Not observed at significant frequency in large population cohorts (gnomAD); Missense variants in this gene are a common cause of disease and they are underrepresented in the general population; In silico analysis indicates that this missense variant does not alter protein structure/function; Has not been previously published as pathogenic or benign to our knowledge

NM_006306.4(SMC1A):c.926T>C (p.Ile309Thr)

Gene: SMC1A (structural maintenance of chromosomes 1A; minus strand). Cytogenetic location: Xp11.22.
Variant type: single nucleotide variant.
Coding change: c.926T>C on transcript NM_006306.4 (MANE Select); coding-DNA position 926, T replaced by C.
Protein change: p.Ile309Thr; replaces isoleucine 309 with threonine.
Molecular consequence: missense variant.
Genome position (GRCh38, 1-based): chrX:53,412,182, A>G on the plus strand (T>C on the coding strand, the complement: SMC1A is on the minus strand). VCF-style: chrX-53412182-A-G. GRCh37 (hg19) VCF-style: chrX-53439132-A-G.
Other names: c.860T>C, p.Ile287Thr (NM_001281463.1); short protein forms I287T, I309T.
Identifiers: ClinVar variation 4072825 (VCV004072825.1).